The following is an entry in ClinVar:

ClinVar aggregate classification (germline): Uncertain significance (1 of 4 stars; one submission).

Allele frequency attached by ClinVar (database versions not stated): ExAC 0.00006; gnomAD 0.00011; TOPMed 0.00013.
gnomAD v4.1: 92 of 1,550,356 alleles (0.0059%); highest among the groups gnomAD compares: Middle Eastern, 0.033%; no homozygotes.

Submission:

Labcorp Genetics (formerly Invitae), Labcorp
Classification: Uncertain significance. Last evaluated: 2023-09-30. Review status: criteria provided, single submitter. Criteria: Invitae Variant Classification Sherloc (09022015). Collection method: clinical testing. Allele origin: germline.
Comment: This sequence change replaces arginine, which is basic and polar, with cysteine, which is neutral and slightly polar, at codon 222 of the CCDC141 protein (p.Arg222Cys). This variant is present in population databases (rs554319522, gnomAD 0.01%). This variant has not been reported in the literature in individuals affected with CCDC141-related conditions. An algorithm developed to predict the effect of missense changes on protein structure and function (PolyPhen-2) suggests that this variant is likely to be tolerated. In summary, the available evidence is currently insufficient to determine the role of this variant in disease. Therefore, it has been classified as a Variant of Uncertain Significance.

NM_173648.4(CCDC141):c.664C>T (p.Arg222Cys)

Gene: CCDC141 (coiled-coil domain containing 141; minus strand). Cytogenetic location: 2q31.2.
Variant type: single nucleotide variant.
Coding change: c.664C>T on transcript NM_173648.4 (MANE Select); coding-DNA position 664, C replaced by T.
Protein change: p.Arg222Cys; replaces arginine 222 with cysteine.
Molecular consequence: missense variant.
Genome position (GRCh38, 1-based): chr2:178,961,346, G>A on the plus strand (C>T on the coding strand, the complement: CCDC141 is on the minus strand). VCF-style: chr2-178961346-G-A. GRCh37 (hg19) VCF-style: chr2-179826073-G-A.
Other names: c.664C>T, p.Arg222Cys (NM_001316745.2); short protein forms R222C.
Identifiers: ClinVar variation 2716613 (VCV002716613.3), dbSNP rs554319522, ClinGen allele CA2007310.
Genomic context (GRCh38, chr2:178,961,346, plus strand): 5'-ACTGTTGCTTCAAGTACTTGTCTAGTTGTCTTCTCCTGTCTTGTAGAAGTTCAAGAAGGC[G>A]GTCAACCTTCAGACAGCTGCTATGAGCTCCCTGAGTCAACTCAGGATTCACATTAGGTCC-3'
Protein context (NP_775919.3, residues 212-232): GAHSSCLKVD[Arg222Cys]LLELLQDRRR